The following is an entry in ClinVar:

NM_005120.3(MED12):c.1682C>T (p.Pro561Leu)

Genes: MED12 (mediator complex subunit 12; plus strand), LOC126863275 (BRD4-independent group 4 enhancer GRCh37_chrX:70342400-70343599; plus strand). Cytogenetic location: Xq13.1.
Variant type: single nucleotide variant.
Coding change: c.1682C>T on transcript NM_005120.3 (MANE Select); coding-DNA position 1682, C replaced by T.
Protein change: p.Pro561Leu; replaces proline 561 with leucine.
Molecular consequence: missense variant.
Genome position (GRCh38, 1-based): chrX:71,123,658, C>T. VCF-style: chrX-71123658-C-T. GRCh37 (hg19) VCF-style: chrX-70343508-C-T.
Other names: short protein forms P561L.
Identifiers: ClinVar variation 423394 (VCV000423394.17), dbSNP rs766485358, ClinGen allele CA10444218.

ClinVar aggregate classification (germline): Conflicting classifications of pathogenicity. Review status: criteria provided, conflicting classifications (1 of 4 stars). 4 submissions from 4 submitters: Uncertain significance (2); Likely benign (2). Last evaluated 2025-11-22.

Conditions:
FG syndrome (FGS). Identifiers: MedGen C0220769, MONDO:0002010.
Familial thoracic aortic aneurysm and aortic dissection (TAAD). Also called: Thoracic aortic aneurysms and dissections. Identifiers: Orphanet 91387, MedGen C4707243, MONDO:0019625.

Allele frequency attached by ClinVar (database versions not stated): gnomAD exomes 0.00002 and 0.00003; TOPMed 0.00002; ExAC 0.00004; gnomAD 0.00004.
gnomAD v4.1: 36 of 1,206,807 alleles (0.003%); highest among the groups gnomAD compares: East Asian, 0.0059%; no homozygotes.

Submissions (4):

Labcorp Genetics (formerly Invitae), Labcorp
Classification: Likely benign for FG syndrome. Last evaluated: 2025-11-22. Review status: criteria provided, single submitter. Criteria: Invitae Variant Classification Sherloc (09022015). Collection method: clinical testing. Allele origin: germline.

Ambry Genetics
Classification: Likely benign for Familial thoracic aortic aneurysm and aortic dissection. Last evaluated: 2025-04-09. Review status: criteria provided, single submitter. Criteria: Ambry Variant Classification Scheme 2023. Collection method: clinical testing. Allele origin: germline.

Revvity Omics, Revvity
Classification: Uncertain significance. Last evaluated: 2021-09-16. Review status: criteria provided, single submitter. Criteria: ACMG Guidelines, 2015. Collection method: clinical testing. Allele origin: germline.

GeneDx
Classification: Uncertain significance. Last evaluated: 2017-02-07. Review status: criteria provided, single submitter. Criteria: GeneDx Variant Classification (06012015). Collection method: clinical testing. Allele origin: germline. Affected: yes.
Comment: The P561L variant in the MED12 gene has not been reported previously as a pathogenic variant, nor as a benign variant, to our knowledge. The P561L variant is observed in 1/5278 (0.019%) alleles from individuals of East Asian background, including one hemizygous individual, in the ExAC dataset (Lek et al., 2016. The P561L variant is a semi-conservative amino acid substitution, which may impact secondary protein structure as these residues differ in some properties. This substitution occurs at a position that is conserved in mammals. In silico analysis is inconsistent in its predictions as to whether or not the variant is damaging to the protein structure/function. We interpret P561L as a variant of uncertain significance.